The following is an entry in ClinVar:

NM_002547.3(OPHN1):c.2149C>T (p.His717Tyr)

Gene: OPHN1 (oligophrenin 1; minus strand). Cytogenetic location: Xq12.
Variant type: single nucleotide variant.
Coding change: c.2149C>T on transcript NM_002547.3 (MANE Select); coding-DNA position 2149, C replaced by T.
Protein change: p.His717Tyr; replaces histidine 717 with tyrosine.
Molecular consequence: missense variant.
Genome position (GRCh38, 1-based): chrX:68,063,863, G>A on the plus strand (C>T on the coding strand, the complement: OPHN1 is on the minus strand). VCF-style: chrX-68063863-G-A. GRCh37 (hg19) VCF-style: chrX-67283705-G-A.
Other names: short protein forms H717Y.
Identifiers: ClinVar variation 1311470 (VCV001311470.2), dbSNP rs2147359836, ClinGen allele CA413430141.
Genomic context (GRCh38, chrX:68,063,863, plus strand): 5'-GAAAAGTAGTTAGGGTCAGCTCTGGCTCCCATGGGATTCCCAAGCACTTACCCTCCTTGT[G>A]GTGGGCCAGGGGCCGGGGAGCTGGTCTCTTTATGTGGAAAGAGGGGGTCTTGGTGGGCCC-3'
Protein context (NP_002538.1, residues 707-727): KRPAPRPLAH[His717Tyr]KEGDADSFSK

ClinVar aggregate classification (germline): Uncertain significance (1 of 4 stars; one submission).

Submission:

GeneDx
Classification: Uncertain significance. Last evaluated: 2019-12-20. Review status: criteria provided, single submitter. Criteria: GeneDx Variant Classification Process June 2021. Collection method: clinical testing. Allele origin: germline. Affected: yes.
Comment: Not observed in large population cohorts (Lek et al., 2016); In silico analysis, which includes protein predictors and evolutionary conservation, supports that this variant does not alter protein structure/function; Has not been previously published as pathogenic or benign to our knowledge